The following is an entry in ClinVar:

NM_152722.5(HEPACAM):c.1138A>G (p.Arg380Gly)

Gene: HEPACAM (hepatic and glial cell adhesion molecule; minus strand). Cytogenetic location: 11q24.2.
Variant type: single nucleotide variant.
Coding change: c.1138A>G on transcript NM_152722.5 (MANE Select); coding-DNA position 1138, A replaced by G.
Protein change: p.Arg380Gly; replaces arginine 380 with glycine.
Molecular consequence: missense variant.
Genome position (GRCh38, 1-based): chr11:124,921,251, T>C on the plus strand (A>G on the coding strand, the complement: HEPACAM is on the minus strand). VCF-style: chr11-124921251-T-C. GRCh37 (hg19) VCF-style: chr11-124791147-T-C.
Other names: c.1294A>G, p.Arg432Gly (NM_001411043.1); short protein forms R380G, R432G.
Identifiers: ClinVar variation 2087439 (VCV002087439.4), dbSNP rs2497453913, ClinGen allele CA383137438.
Genomic context (GRCh38, chr11:124,921,251, plus strand): 5'-CGCCCGCAGTCCGCAGTGTGCGCGAGGCGCTGCGCGAGCGGCCGGGCGAGCTCGGGGCCC[T>C]GGGCGGCGACGAGTGTGTCCGGCCGGTGGCTGGGGAGCGCGCTGGGGAGCGCGGGTAGCG-3'
Protein context (NP_689935.2, residues 370-390): ATGRTHSSPP[Arg380Gly]APSSPGRSRS

ClinVar aggregate classification (germline): Uncertain significance (1 of 4 stars; one submission).

Allele frequency attached by ClinVar (database versions not stated): gnomAD exomes below 0.00001.
gnomAD v4.1: 2 of 1,435,484 alleles (0.00014%); highest among the groups gnomAD compares: Non-Finnish European, 0.00018%; no homozygotes.

Submission:

Labcorp Genetics (formerly Invitae), Labcorp
Classification: Uncertain significance. Last evaluated: 2022-03-18. Review status: criteria provided, single submitter. Criteria: Invitae Variant Classification Sherloc (09022015). Collection method: clinical testing. Allele origin: germline.
Comment: This sequence change replaces arginine, which is basic and polar, with glycine, which is neutral and non-polar, at codon 380 of the HEPACAM protein (p.Arg380Gly). This variant is not present in population databases (gnomAD no frequency). This variant has not been reported in the literature in individuals affected with HEPACAM-related conditions. Algorithms developed to predict the effect of missense changes on protein structure and function are either unavailable or do not agree on the potential impact of this missense change (SIFT: "Tolerated"; PolyPhen-2: "Probably Damaging"; Align-GVGD: "Class C0"). In summary, the available evidence is currently insufficient to determine the role of this variant in disease. Therefore, it has been classified as a Variant of Uncertain Significance.